The following is an entry in ClinVar:

NM_000430.4(PAFAH1B1):c.1090G>T (p.Val364Leu)

Gene: PAFAH1B1 (platelet activating factor acetylhydrolase 1b regulatory subunit 1; plus strand). Cytogenetic location: 17p13.3.
Variant type: single nucleotide variant.
Coding change: c.1090G>T on transcript NM_000430.4 (MANE Select); coding-DNA position 1090, G replaced by T.
Protein change: p.Val364Leu; replaces valine 364 with leucine.
Molecular consequence: missense variant.
Genome position (GRCh38, 1-based): chr17:2,680,251, G>T. VCF-style: chr17-2680251-G-T. GRCh37 (hg19) VCF-style: chr17-2583545-G-T.
Other names: short protein forms V364L.
Identifiers: ClinVar variation 1464408 (VCV001464408.8), dbSNP rs768778197, ClinGen allele CA397642594.

ClinVar aggregate classification (germline): Uncertain significance (1 of 4 stars; one submission).

gnomAD v4.1: 2 of 1,614,046 alleles (0.00012%); highest among the groups gnomAD compares: South Asian, 0.0011%; no homozygotes.

Submission:

Labcorp Genetics (formerly Invitae), Labcorp
Classification: Uncertain significance. Last evaluated: 2024-02-24. Review status: criteria provided, single submitter. Criteria: Invitae Variant Classification Sherloc (09022015). Collection method: clinical testing. Allele origin: germline.
Comment: This sequence change replaces valine, which is neutral and non-polar, with leucine, which is neutral and non-polar, at codon 364 of the PAFAH1B1 protein (p.Val364Leu). This variant is not present in population databases (gnomAD no frequency). This variant has not been reported in the literature in individuals affected with PAFAH1B1-related conditions. ClinVar contains an entry for this variant (Variation ID: 1464408). An algorithm developed to predict the effect of missense changes on protein structure and function (PolyPhen-2) suggests that this variant is likely to be tolerated. In summary, the available evidence is currently insufficient to determine the role of this variant in disease. Therefore, it has been classified as a Variant of Uncertain Significance.